The following is an entry in ClinVar:

ClinVar aggregate classification (germline): Uncertain significance (1 of 4 stars; one submission).

Allele frequency attached by ClinVar (database versions not stated): gnomAD exomes below 0.00001; gnomAD 0.00001.

Submission:

Labcorp Genetics (formerly Invitae), Labcorp
Classification: Uncertain significance. Last evaluated: 2023-05-13. Review status: criteria provided, single submitter. Criteria: Invitae Variant Classification Sherloc (09022015). Collection method: clinical testing. Allele origin: germline.
Comment: This variant is present in population databases (no rsID available, gnomAD 0.03%). This variant has not been reported in the literature in individuals affected with GPR45-related conditions. This sequence change replaces isoleucine, which is neutral and non-polar, with valine, which is neutral and non-polar, at codon 336 of the GPR45 protein (p.Ile336Val). In summary, the available evidence is currently insufficient to determine the role of this variant in disease. Therefore, it has been classified as a Variant of Uncertain Significance. Algorithms developed to predict the effect of missense changes on protein structure and function output the following: SIFT: "Not Available"; PolyPhen-2: "Benign"; Align-GVGD: "Not Available". The valine amino acid residue is found in multiple mammalian species, which suggests that this missense change does not adversely affect protein function.

NM_007227.3(GPR45):c.1006A>G (p.Ile336Val)

Gene: GPR45 (G protein-coupled receptor 45; plus strand). Cytogenetic location: 2q12.1.
Variant type: single nucleotide variant.
Coding change: c.1006A>G on transcript NM_007227.3 (MANE Select); coding-DNA position 1006, A replaced by G.
Protein change: p.Ile336Val; replaces isoleucine 336 with valine.
Molecular consequence: missense variant.
Genome position (GRCh38, 1-based): chr2:105,242,864, A>G. VCF-style: chr2-105242864-A-G. GRCh37 (hg19) VCF-style: chr2-105859321-A-G.
Other names: short protein forms I336V.
Identifiers: ClinVar variation 2864126 (VCV002864126.3), dbSNP rs1449293820, ClinGen allele CA348101703.